The following is an entry in ClinVar:

NM_017986.4(SLC52A1):c.271G>A (p.Gly91Ser)

Gene: SLC52A1 (solute carrier family 52 member 1; minus strand). Cytogenetic location: 17p13.2.
Variant type: single nucleotide variant.
Coding change: c.271G>A on transcript NM_017986.4 (MANE Select); coding-DNA position 271, G replaced by A.
Protein change: p.Gly91Ser; replaces glycine 91 with serine.
Molecular consequence: missense variant.
Genome position (GRCh38, 1-based): chr17:5,034,218, C>T on the plus strand (G>A on the coding strand, the complement: SLC52A1 is on the minus strand). VCF-style: chr17-5034218-C-T. GRCh37 (hg19) VCF-style: chr17-4937513-C-T.
Other names: p.Gly91Ser; c.271G>A (NM_001104577.1); c.271G>A, p.Gly91Ser (NM_001104577.2); short protein forms G91S.
Identifiers: ClinVar variation 2081927 (VCV002081927.6), dbSNP rs769072537, ClinGen allele CA8319828.

ClinVar aggregate classification (germline): Uncertain significance. Review status: criteria provided, multiple submitters, no conflicts (2 of 4 stars). 3 submissions from 3 submitters: Uncertain significance (3). Last evaluated 2025-06-05.

Conditions:
Vitamin B2 deficiency. Identifiers: MedGen C0035528.

Allele frequency attached by ClinVar (database versions not stated): gnomAD 0.00001; TOPMed 0.00002; ExAC 0.00012.
gnomAD v4.1: 84 of 1,613,914 alleles (0.0052%); highest among the groups gnomAD compares: South Asian, 0.086%; no homozygotes.

Submissions (3):

Mayo Clinic Laboratories, Mayo Clinic
Classification: Uncertain significance. Last evaluated: 2025-06-05. Review status: criteria provided, single submitter. Criteria: ACMG Guidelines, 2015. Collection method: clinical testing. Allele origin: germline. Observed: 1 variant allele.
Comment: BP4_moderate

Ambry Genetics
Classification: Uncertain significance. Last evaluated: 2023-12-13. Review status: criteria provided, single submitter. Criteria: Ambry Variant Classification Scheme 2023. Collection method: clinical testing. Allele origin: germline.

Labcorp Genetics (formerly Invitae), Labcorp
Classification: Uncertain significance for Vitamin B2 deficiency. Last evaluated: 2022-03-05. Review status: criteria provided, single submitter. Criteria: Invitae Variant Classification Sherloc (09022015). Collection method: clinical testing. Allele origin: germline.
Comment: This variant has not been reported in the literature in individuals affected with SLC52A1-related conditions. Algorithms developed to predict the effect of missense changes on protein structure and function (SIFT, PolyPhen-2, Align-GVGD) all suggest that this variant is likely to be tolerated. In summary, the available evidence is currently insufficient to determine the role of this variant in disease. Therefore, it has been classified as a Variant of Uncertain Significance. This variant is present in population databases (rs769072537, gnomAD 0.07%), and has an allele count higher than expected for a pathogenic variant. This sequence change replaces glycine, which is neutral and non-polar, with serine, which is neutral and polar, at codon 91 of the SLC52A1 protein (p.Gly91Ser).